The following is an entry in ClinVar:

ClinVar aggregate classification (germline): Conflicting classifications of pathogenicity. Review status: criteria provided, conflicting classifications (1 of 4 stars). 12 submissions from 12 submitters: Uncertain significance (10); Likely benign (2). Last evaluated 2026-01-18.

Conditions:
Desmoid disease, hereditary (DESMD). Also called: FIBROMATOSIS, FAMILIAL INFILTRATIVE. Identifiers: Orphanet 873, MedGen C1851124, OMIM 135290. Disease mechanism: loss of function.
Gastric cancer. Also called: Stomach cancer; Malignant tumor of stomach. Identifiers: MedGen C0024623, MeSH D013274, MONDO:0001056, OMIM 613659, HP:0012126.
Familial adenomatous polyposis 1 (FAP1). Also called: POLYPOSIS, ADENOMATOUS INTESTINAL; FAMILIAL ADENOMATOUS POLYPOSIS 1, ATTENUATED. Identifiers: MedGen C2713442, MONDO:0021056, OMIM 175100. Disease mechanism: loss of function.
Gastric adenocarcinoma and proximal polyposis of the stomach (GAPPS). Also called: Polyposis, gastric, Dos Santos and de Magalhaes 1980; POLYPOSIS, GASTRIC; Gastric Adenocarcinoma and Proximal Polyposis of the Stomach (GAPPS). Identifiers: Orphanet 314022, MedGen C4749917, MONDO:0017790, OMIM 619182.
Hepatocellular carcinoma (HCC). Also called: Primary carcinoma of liver; HEPATOMA; LIVER CELL CARCINOMA. Identifiers: Orphanet 88673, MedGen C2239176, MONDO:0007256, OMIM 114550, HP:0001402.
Colorectal cancer. Also called: Colorectal cancer, somatic; Malignant Colorectal Neoplasm. Identifiers: MedGen C0346629, MONDO:0005575, OMIM 114500.
Hereditary cancer-predisposing syndrome. Also called: Neoplastic Syndromes, Hereditary; Hereditary neoplastic syndrome; Hereditary Cancer Syndrome; Tumor predisposition. Identifiers: Orphanet 140162, MedGen C0027672, MeSH D009386, MONDO:0015356.
Classic or attenuated familial adenomatous polyposis. Identifiers: MedGen CN372698, MONDO:0021057.

Allele frequency attached by ClinVar (database versions not stated): gnomAD exomes 0.00001 and 0.00003; ExAC 0.00002; gnomAD 0.00002 and 0.00001; TOPMed 0.00005; ESP Exome Variant Server 0.00015.
gnomAD v4.1: 23 of 1,613,116 alleles (0.0014%); highest among the groups gnomAD compares: Non-Finnish European, 0.0018%; no homozygotes.

Submissions (12):

Labcorp Genetics (formerly Invitae), Labcorp
Classification: Uncertain significance for Familial adenomatous polyposis 1. Last evaluated: 2026-01-18. Review status: criteria provided, single submitter. Criteria: Invitae Variant Classification Sherloc (09022015). Collection method: clinical testing. Allele origin: germline.
Comment: This sequence change replaces proline, which is neutral and non-polar, with serine, which is neutral and polar, at codon 2369 of the APC protein (p.Pro2369Ser). This variant is present in population databases (rs377308875, gnomAD 0.005%). This variant has not been reported in the literature in individuals affected with APC-related conditions. ClinVar contains an entry for this variant (Variation ID: 232940). Invitae Evidence Modeling of protein sequence and biophysical properties (such as structural, functional, and spatial information, amino acid conservation, physicochemical variation, residue mobility, and thermodynamic stability) indicates that this missense variant is not expected to disrupt APC protein function with a negative predictive value of 95%. In summary, the available evidence is currently insufficient to determine the role of this variant in disease. Therefore, it has been classified as a Variant of Uncertain Significance.

Center for Genomic Medicine, Rigshospitalet, Copenhagen University Hospital
Classification: Likely benign. Last evaluated: 2025-03-04. Review status: criteria provided, single submitter. Criteria: ACMG Guidelines, 2015. Collection method: clinical testing. Allele origin: germline.

GeneDx
Classification: Uncertain significance. Last evaluated: 2025-02-20. Review status: criteria provided, single submitter. Criteria: GeneDx Variant Classification Process June 2021. Collection method: clinical testing. Allele origin: germline. Affected: yes.
Comment: In silico analysis supports that this missense variant has a deleterious effect on protein structure/function; Has not been previously published as pathogenic or benign to our knowledge; This variant is associated with the following publications: (PMID: 18199528, 30267214)

Quest Diagnostics Nichols Institute San Juan Capistrano
Classification: Uncertain significance. Last evaluated: 2024-10-31. Review status: criteria provided, single submitter. Criteria: Quest Diagnostics criteria. Collection method: clinical testing. Allele origin: unknown.
Comment: The APC c.7105C>T (p.Pro2369Ser) variant has not been reported in individuals with APC-related conditions in the published literature. The frequency of this variant in the general population, 0.000062 (7/112366 chromosomes (Genome Aggregation Database)), is uninformative in the assessment of its pathogenicity. Analysis of this variant using bioinformatics tools for the prediction of the effect of amino acid changes on protein structure and function yielded predictions that this variant is damaging. Based on the available information, we are unable to determine the clinical significance of this variant.

All of Us Research Program, National Institutes of Health
Classification: Uncertain significance for Classic or attenuated familial adenomatous polyposis. Last evaluated: 2024-08-06. Review status: criteria provided, single submitter. Criteria: ACMG Guidelines, 2015. Collection method: clinical testing. Allele origin: germline. Inheritance: Autosomal dominant inheritance. Observed: 16 variant alleles, 15 heterozygotes, 1 homozygote.
Comment: This missense variant replaces proline with serine at codon 2369 of the APC protein. Computational prediction is inconclusive regarding the impact of this variant on protein structure and function (internally defined REVEL score threshold 0.5 < inconclusive < 0.7, PMID: 27666373). To our knowledge, functional studies have not been reported for this variant. This variant has not been reported in individuals affected with APC-related disorders in the literature. This variant has been identified in 7/249736 chromosomes in the general population by the Genome Aggregation Database (gnomAD). The available evidence is insufficient to determine the role of this variant in disease conclusively. Therefore, this variant is classified as a Variant of Uncertain Significance.

This study involves interpretation of variants in research participants for the purpose of population health screening. Participant phenotype was not available at the time of variant classification. Additional details can be found in publication PMID: 35346344, PMCID: PMC8962531

Color Diagnostics, LLC DBA Color Health
Classification: Uncertain significance for Hereditary cancer-predisposing syndrome. Last evaluated: 2024-05-23. Review status: criteria provided, single submitter. Criteria: ACMG Guidelines, 2015. Collection method: clinical testing. Allele origin: germline.
Comment: This missense variant replaces proline with serine at codon 2369 of the APC protein. Computational prediction is inconclusive regarding the impact of this variant on protein structure and function. To our knowledge, functional studies have not been reported for this variant. This variant has not been reported in individuals affected with APC-related disorders in the literature. This variant has been identified in 7/249736 chromosomes in the general population by the Genome Aggregation Database (gnomAD). The available evidence is insufficient to determine the role of this variant in disease conclusively. Therefore, this variant is classified as a Variant of Uncertain Significance.

Fulgent Genetics
Classification: Uncertain significance for Colorectal cancer; Hepatocellular carcinoma; Desmoid disease, hereditary; Familial adenomatous polyposis 1; Gastric cancer; Gastric adenocarcinoma and proximal polyposis of the stomach. Last evaluated: 2024-03-21. Review status: criteria provided, single submitter. Criteria: ACMG Guidelines, 2015. Collection method: clinical testing. Allele origin: germline.

Baylor Genetics
Classification: Uncertain significance for Familial adenomatous polyposis 1. Last evaluated: 2024-02-18. Review status: criteria provided, single submitter. Criteria: ACMG Guidelines, 2015. Collection method: clinical testing. Allele origin: unknown.

St. Jude Molecular Pathology, St. Jude Children's Research Hospital
Classification: Uncertain significance for Familial adenomatous polyposis 1. Last evaluated: 2022-08-25. Review status: criteria provided, single submitter. Criteria: St. Jude Assertion Criteria 2020. Collection method: clinical testing. Allele origin: germline.
Comment: The APC c.7105C>T (p.Pro2369Ser) missense change has a maximum subpopulation frequency of 0.0062% in gnomAD v2.1.1. The in silico tool REVEL is inconclusive about a pathogenic or benign effect of this variant on protein function, and to our knowledge functional studies have not been performed. To our knowledge, this variant has not been reported in individuals with APC-related familial adenomatous polyposis. In summary, the evidence currently available is insufficient to determine the clinical significance of this variant. It has therefore been classified as of uncertain significance.

Ambry Genetics
Classification: Likely benign for Hereditary cancer-predisposing syndrome. Last evaluated: 2021-08-30. Review status: criteria provided, single submitter. Criteria: Ambry Variant Classification Scheme 2023. Collection method: clinical testing. Allele origin: germline.

Sema4
Classification: Uncertain significance for Hereditary cancer-predisposing syndrome. Last evaluated: 2021-06-23. Review status: criteria provided, single submitter. Criteria: Sema4 Curation Guidelines. Collection method: curation. Allele origin: germline.
Comment: The APC c.7105C>T (p.P2369S) variant has not been reported in the literature to our knowledge. This variant was observed in 7/112366 chromosomes in the Non-Finnish European population, according to the Genome Aggregation Database (PMID: 32461654). This variant has been reported in ClinVar (Variation ID 232940). In silico tools suggest the impact of the variant on protein function is inconclusive, though these predictions have not been confirmed by functional studies. The overall evidence is insufficient to meet ACMG/AMP criteria for classifying it as benign or pathogenic. In summary, the clinical significance of this variant is currently uncertain.

Women's Health and Genetics/Laboratory Corporation of America, LabCorp
Classification: Uncertain significance. Last evaluated: 2020-12-03. Review status: criteria provided, single submitter. Criteria: LabCorp Variant Classification Summary - May 2015. Collection method: clinical testing. Allele origin: germline.
Comment: Variant summary: APC c.7105C>T (p.Pro2369Ser) results in a non-conservative amino acid change in the encoded protein sequence. Five of five in-silico tools predict a damaging effect of the variant on protein function. The variant allele was found at a frequency of 2.8e-05 in 249736 control chromosomes. The available data on variant occurrences in the general population are insufficient to allow any conclusion about variant significance. To our knowledge, no occurrence of c.7105C>T in individuals affected with Familial Adenomatous Polyposis and no experimental evidence demonstrating its impact on protein function have been reported. Four clinical diagnostic laboratories have submitted clinical-significance assessments for this variant to ClinVar after 2014 without evidence for independent evaluation. All laboratories classified the variant as uncertain significance. Based on the evidence outlined above, the variant was classified as uncertain significance.

Literature cited by the submitters: PubMed 30267214 (cited by Quest Diagnostics Nichols Institute San Juan Capistrano and Ambry Genetics).

NM_000038.6(APC):c.7105C>T (p.Pro2369Ser)

Gene: APC (APC regulator of Wnt signaling pathway; plus strand). Cytogenetic location: 5q22.2.
Variant type: single nucleotide variant.
Coding change: c.7105C>T on transcript NM_000038.6 (MANE Select); coding-DNA position 7105, C replaced by T.
Protein change: p.Pro2369Ser; replaces proline 2369 with serine.
Molecular consequence: missense variant.
Genome position (GRCh38, 1-based): chr5:112,842,699, C>T. VCF-style: chr5-112842699-C-T. GRCh37 (hg19) VCF-style: chr5-112178396-C-T.
Other names: c.7105C>T, p.Pro2369Ser (NM_001127510.3, NM_001354895.2); c.7051C>T, p.Pro2351Ser (NM_001127511.3); c.7159C>T, p.Pro2387Ser (NM_001354896.2); c.7135C>T, p.Pro2379Ser (NM_001354897.2); c.7030C>T, p.Pro2344Ser (NM_001354898.2); c.7021C>T, p.Pro2341Ser (NM_001354899.2); c.6982C>T, p.Pro2328Ser (NM_001354900.2); c.6928C>T, p.Pro2310Ser (NM_001354901.2); and 5 more; short protein forms P2351S, P2369S, P2086S, P2243S, P2341S, P2344S, P2310S, P2387S.
Identifiers: ClinVar variation 232940 (VCV000232940.37), dbSNP rs377308875, ClinGen allele CA046951.
Genomic context (GRCh38, chr5:112,842,699, plus strand): 5'-TCATCCCCTAGTACTGCTTCAACTAAGTCCTCAGGTTCTGGAAAAATGTCATATACATCT[C>T]CAGGTAGACAGATGAGCCAACAGAACCTTACCAAACAAACAGGTTTATCCAAGAATGCCA-3'
Protein context (NP_000029.2, residues 2359-2379): SGSGKMSYTS[Pro2369Ser]GRQMSQQNLT